The following is an entry in ClinVar:

NM_001080449.3(DNA2):c.1057+1G>A

Gene: DNA2 (DNA replication helicase/nuclease 2; minus strand). Cytogenetic location: 10q21.3.
Variant type: single nucleotide variant.
Coding change: c.1057+1G>A on transcript NM_001080449.3 (MANE Select); the canonical splice donor site of the intron after coding-DNA position 1057, G replaced by A.
Molecular consequence: splice donor variant.
Genome position (GRCh38, 1-based): chr10:68,446,295, C>T on the plus strand (G>A on the coding strand, the complement: DNA2 is on the minus strand). VCF-style: chr10-68446295-C-T. GRCh37 (hg19) VCF-style: chr10-70206052-C-T.
Identifiers: ClinVar variation 3342590 (VCV003342590.1).

ClinVar aggregate classification (germline): Likely pathogenic (1 of 4 stars; one submission).

Submission:

GeneDx
Classification: Likely pathogenic. Last evaluated: 2023-11-22. Review status: criteria provided, single submitter. Criteria: GeneDx Variant Classification Process June 2021. Collection method: clinical testing. Allele origin: germline. Affected: yes.
Comment: Canonical splice site variant predicted to result in a null allele in a gene for which loss of function is a known mechanism of disease; Not observed at significant frequency in large population cohorts (gnomAD); Has not been previously published as pathogenic or benign to our knowledge